The following is an entry in ClinVar:

ClinVar aggregate classification (germline): Uncertain significance (1 of 4 stars; one submission).

Conditions:
Nemaline myopathy 2 (NEM2). Also called: Nemaline myopathy 2, autosomal recessive. Identifiers: MedGen C1850569, MONDO:0009725, OMIM 256030.

Submission:

Labcorp Genetics (formerly Invitae), Labcorp
Classification: Uncertain significance for Nemaline myopathy 2. Last evaluated: 2022-05-24. Review status: criteria provided, single submitter. Criteria: Invitae Variant Classification Sherloc (09022015). Collection method: clinical testing. Allele origin: germline.
Comment: This sequence change replaces alanine, which is neutral and non-polar, with aspartic acid, which is acidic and polar, at codon 1802 of the NEB protein (p.Ala1802Asp). This variant is not present in population databases (gnomAD no frequency). This variant has not been reported in the literature in individuals affected with NEB-related conditions. Algorithms developed to predict the effect of missense changes on protein structure and function are either unavailable or do not agree on the potential impact of this missense change (SIFT: "Deleterious"; PolyPhen-2: "Not Available"; Align-GVGD: "Class C0"). In summary, the available evidence is currently insufficient to determine the role of this variant in disease. Therefore, it has been classified as a Variant of Uncertain Significance.

NM_001164508.2(NEB):c.5405C>A (p.Ala1802Asp)

Gene: NEB (nebulin; minus strand). Cytogenetic location: 2q23.3.
Variant type: single nucleotide variant.
Coding change: c.5405C>A on transcript NM_001164508.2 (MANE Select); coding-DNA position 5405, C replaced by A.
Protein change: p.Ala1802Asp; replaces alanine 1802 with aspartic acid.
Molecular consequence: missense variant.
Genome position (GRCh38, 1-based): chr2:151,664,547, G>T on the plus strand (C>A on the coding strand, the complement: NEB is on the minus strand). VCF-style: chr2-151664547-G-T. GRCh37 (hg19) VCF-style: chr2-152521061-G-T.
Other names: c.5405C>A, p.Ala1802Asp (NM_001164507.2, NM_001271208.2, NM_004543.5); short protein forms A1802D.
Identifiers: ClinVar variation 1998164 (VCV001998164.1), dbSNP rs2552257089, ClinGen allele CA348810492.